The following is an entry in ClinVar:

NM_004991.4(MECOM):c.1225G>A (p.Asp409Asn)

Gene: MECOM (MDS1 and EVI1 complex locus; minus strand). Cytogenetic location: 3q26.2.
Variant type: single nucleotide variant.
Coding change: c.1225G>A on transcript NM_004991.4 (MANE Select); coding-DNA position 1225, G replaced by A.
Protein change: p.Asp409Asn; replaces aspartic acid 409 with asparagine.
Molecular consequence: missense variant. On other transcripts: intron variant (2).
Genome position (GRCh38, 1-based): chr3:169,116,647, C>T on the plus strand (G>A on the coding strand, the complement: MECOM is on the minus strand). VCF-style: chr3-169116647-C-T. GRCh37 (hg19) VCF-style: chr3-168834435-C-T.
Other names: c.856G>A, p.Asp286Asn (NM_001105077.4); c.661G>A, p.Asp221Asn (NM_001105078.4, NM_001164000.2, NM_001205194.2 and 4 more transcripts); c.664G>A, p.Asp222Asn (NM_001163999.2, NM_001366467.2, NM_001366468.2 and 1 more transcripts); c.1225G>A, p.Asp409Asn (NM_001366466.2); c.1133-880G>A (NM_001366473.2); c.569-880G>A (NM_001366474.2); short protein forms D221N, D222N, D409N, D286N.
Identifiers: ClinVar variation 4105866 (VCV004105866.1).
Genomic context (GRCh38, chr3:169,116,647, plus strand): 5'-CCTCACAAAACCTCCTGTGTTTATTTAAGGAAGACGTAGTGCTGAACATTTGTCCACAGT[C>T]TTTGCACTTGATTTGGGTTCTGCAATCAGCATGCATGCGCTTATGACGGCAAAGGTTTGA-3'
Protein context (NP_004982.2, residues 399-419): ADCRTQIKCK[Asp409Asn]CGQMFSTTSS

ClinVar aggregate classification (germline): Uncertain significance (1 of 4 stars; one submission).

Conditions:
Inborn genetic diseases. Identifiers: MedGen C0950123, MeSH D030342.

gnomAD v4.1: 1 of 1,614,028 alleles (0.000062%); highest among the groups gnomAD compares: Non-Finnish European, 0.000085%; no homozygotes.

Submission:

Ambry Genetics
Classification: Uncertain significance for Inborn genetic diseases. Last evaluated: 2025-08-22. Review status: criteria provided, single submitter. Criteria: Ambry Variant Classification Scheme 2023. Collection method: clinical testing. Allele origin: germline.
Comment: The p.D409N variant (also known as c.1225G>A), located in coding exon 8 of the MECOM gene, results from a G to A substitution at nucleotide position 1225. The aspartic acid at codon 409 is replaced by asparagine, an amino acid with highly similar properties. This amino acid position is conserved. In addition, this alteration is predicted to be tolerated by in silico analysis. Based on the available evidence, the clinical significance of this variant remains unclear.